The following is an entry in ClinVar:

NM_006019.4(TCIRG1):c.1480C>T (p.Gln494Ter)

Gene: TCIRG1 (T cell immune regulator 1, ATPase H+ transporting V0 subunit a3; plus strand). Cytogenetic location: 11q13.2.
Variant type: single nucleotide variant.
Coding change: c.1480C>T on transcript NM_006019.4 (MANE Select); coding-DNA position 1480, C replaced by T.
Protein change: p.Gln494Ter; replaces glutamine 494 with a stop codon.
Molecular consequence: nonsense.
Genome position (GRCh38, 1-based): chr11:68,047,898, C>T. VCF-style: chr11-68047898-C-T. GRCh37 (hg19) VCF-style: chr11-67815365-C-T.
Other names: c.586C>T, p.Gln196Ter (NM_001351059.2); c.832C>T, p.Gln278Ter (NM_006053.4); c.1480C>T (NM_006019.3); short protein forms Q196*, Q278*, Q494*.
Identifiers: ClinVar variation 2679134 (VCV002679134.6), dbSNP rs1855589148, ClinGen allele CA381584468.

ClinVar aggregate classification (germline): Pathogenic/Likely pathogenic. Review status: criteria provided, multiple submitters, no conflicts (2 of 4 stars). 3 submissions from 3 submitters: Pathogenic (1); Likely pathogenic (2). Last evaluated 2024-11-14.

Conditions:
Autosomal recessive osteopetrosis 1. Also called: ALBERS-SCHONBERG DISEASE, AUTOSOMAL RECESSIVE; TCIRG1-Related Autosomal Recessive Osteopetrosis; TCIRG1-Related Osteopetrosis. Identifiers: Orphanet 667, MedGen C1850127, MONDO:0009815, OMIM 259700.

Allele frequency attached by ClinVar (database versions not stated): gnomAD exomes below 0.00001; TOPMed 0.00001.
gnomAD v4.1: 1 of 1,613,724 alleles (0.000062%); highest among the groups gnomAD compares: Non-Finnish European, 0.000085%; no homozygotes.

Submissions (3):

Natera, Inc.
Classification: Likely pathogenic for Infantile malignant osteopetrosis. Last evaluated: 2024-11-14. Review status: criteria provided, single submitter. Criteria: Natera Variant Classification Schema (03/2026). Collection method: clinical testing. Allele origin: germline.
Comment: The c.1480C>T variant in TCIRG1 is a nonsense variant predicted to introduce a stop codon at amino acid 494. This variant is expected to result in nonsense mediated decay, truncation, or a dysfunctional protein product. This variant is rare in the general population with a frequency below the threshold expected for the associated phenotype(s). Given the available evidence, this variant is classified as Likely Pathogenic.

Baylor Genetics
Classification: Likely pathogenic for Autosomal recessive osteopetrosis 1. Last evaluated: 2024-03-27. Review status: criteria provided, single submitter. Criteria: ACMG Guidelines, 2015. Collection method: clinical testing. Allele origin: unknown.

Labcorp Genetics (formerly Invitae), Labcorp
Classification: Pathogenic. Last evaluated: 2023-04-19. Review status: criteria provided, single submitter. Criteria: Invitae Variant Classification Sherloc (09022015). Collection method: clinical testing. Allele origin: germline.
Comment: This sequence change creates a premature translational stop signal (p.Gln494*) in the TCIRG1 gene. It is expected to result in an absent or disrupted protein product. Loss-of-function variants in TCIRG1 are known to be pathogenic (PMID: 10888887, 10942435, 11532986, 19448635). For these reasons, this variant has been classified as Pathogenic. This variant is not present in population databases (gnomAD no frequency). This variant has not been reported in the literature in individuals affected with TCIRG1-related conditions.

Literature cited by the submitters: PubMed 10888887 (cited by Labcorp Genetics (formerly Invitae), Labcorp); PubMed 10942435 (cited by Labcorp Genetics (formerly Invitae), Labcorp); PubMed 11532986 (cited by Labcorp Genetics (formerly Invitae), Labcorp); PubMed 19448635 (cited by Labcorp Genetics (formerly Invitae), Labcorp).